The following is an entry in ClinVar:

NM_003227.4(TFR2):c.1179del (p.Pro395fs)

Gene: TFR2 (transferrin receptor 2; minus strand). Cytogenetic location: 7q22.1.
Variant type: Deletion.
Coding change: c.1179del on transcript NM_003227.4 (MANE Select); coding-DNA position 1179, one base deleted (C; older notation c.1179delC).
Protein change: p.Pro395fs; shifts the reading frame from proline 395.
Molecular consequence: frameshift variant.
Genome position (GRCh38, 1-based): chr7:100,630,980, G deleted on the plus strand (C on the coding strand, the reverse complement: TFR2 is on the minus strand); the first of 4 consecutive G bases (chr7:100,630,980-100,630,983); deleting any one gives the same sequence. VCF-style (leftmost placement, unchanged base first): chr7-100630979-CG-C. GRCh37 (hg19) VCF-style: chr7-100228602-CG-C.
Other names: c.666del, p.Pro224fs (NM_001206855.3); short protein forms P224fs, P395fs.
Identifiers: ClinVar variation 2086408 (VCV002086408.4), dbSNP rs2486126656, ClinGen allele CA2580076034.
Genomic context (GRCh38, chr7:100,630,979, plus strand): 5'-AGATGTTGTTGATGGGGGTGGAGGTCCTGTGATTGTTGACCACTAGCCGCAGTCGTGGCC[CG>C]GGGCCCAGGTGATAAGGGGAGCCTAGGAGGCTCCCCTGCCATTCTTGGGGGGCCACAGGG-3'

ClinVar aggregate classification (germline): Pathogenic (1 of 4 stars; one submission).

Conditions:
Hereditary hemochromatosis (HFE). Identifiers: MedGen C0392514, MONDO:0006507. Disease mechanism: loss of function.

Submission:

Labcorp Genetics (formerly Invitae), Labcorp
Classification: Pathogenic for Hereditary hemochromatosis. Last evaluated: 2022-01-22. Review status: criteria provided, single submitter. Criteria: Invitae Variant Classification Sherloc (09022015). Collection method: clinical testing. Allele origin: germline.
Comment: For these reasons, this variant has been classified as Pathogenic. This variant has not been reported in the literature in individuals affected with TFR2-related conditions. This variant is not present in population databases (gnomAD no frequency). This sequence change creates a premature translational stop signal (p.Pro395Hisfs*5) in the TFR2 gene. It is expected to result in an absent or disrupted protein product. Loss-of-function variants in TFR2 are known to be pathogenic (PMID: 23600741, 26029709).

Literature cited by the submitters: PubMed 23600741; PubMed 26029709.